The following is an entry in ClinVar:

NM_000531.6(OTC):c.584G>C (p.Gly195Ala)

Gene: OTC (ornithine transcarbamylase; plus strand). Cytogenetic location: Xp11.4.
Variant type: single nucleotide variant.
Coding change: c.584G>C on transcript NM_000531.6 (MANE Select); coding-DNA position 584, G replaced by C.
Protein change: p.Gly195Ala; replaces glycine 195 with alanine.
Molecular consequence: missense variant.
Genome position (GRCh38, 1-based): chrX:38,403,661, G>C. VCF-style: chrX-38403661-G-C. GRCh37 (hg19) VCF-style: chrX-38262914-G-C.
Other names: short protein forms G195A.
Identifiers: ClinVar variation 870316 (VCV000870316.2), dbSNP rs2068501410, ClinGen allele CA412725422.

ClinVar aggregate classification (germline): Pathogenic (0 of 4 stars; one submission).

Conditions:
Ornithine carbamoyltransferase deficiency (OTCD). Also called: OTC DEFICIENCY; Ornithine Carbamoyltransferase Deficiency Disease; ORNITHINE TRANSCARBAMYLASE DEFICIENCY; ORNITHINE TRANSCARBAMYLASE DEFICIENCY, HYPERAMMONEMIA DUE TO. Identifiers: Orphanet 664, MedGen C0268542, MONDO:0010703, OMIM 311250.

Submission:

Molecular Genetics laboratory, Necker Hospital
Classification: Pathogenic for Ornithine carbamoyltransferase deficiency. Review status: no assertion criteria provided. Collection method: clinical testing. Allele origin: maternal. Inheritance: X-linked inheritance. Affected: yes.
Comment: 2 boys with a neonatal form